The following is an entry in ClinVar:

NM_002150.3(HPD):c.498G>A (p.Met166Ile)

Genes: HPD (4-hydroxyphenylpyruvate dioxygenase; minus strand), TIALD (transcript inducer of AURKA lysosomal degradation; plus strand). Cytogenetic location: 12q24.31.
Variant type: single nucleotide variant.
Coding change: c.498G>A on transcript NM_002150.3 (MANE Select); coding-DNA position 498, G replaced by A.
Protein change: p.Met166Ile; replaces methionine 166 with isoleucine.
Molecular consequence: missense variant.
Genome position (GRCh38, 1-based): chr12:121,849,707, C>T on the plus strand (G>A on the coding strand, the complement: HPD is on the minus strand). VCF-style: chr12-121849707-C-T. GRCh37 (hg19) VCF-style: chr12-122287613-C-T.
Other names: c.381G>A, p.Met127Ile (NM_001171993.2); short protein forms M127I, M166I.
Identifiers: ClinVar variation 307484 (VCV000307484.16), dbSNP rs149081239, ClinGen allele CA6839638.

ClinVar aggregate classification (germline): Conflicting classifications of pathogenicity. Review status: criteria provided, conflicting classifications (1 of 4 stars). 4 submissions from 3 submitters: Uncertain significance (1); Benign (1); Likely benign (2). Last evaluated 2026-06-01.

Conditions:
Hawkinsinuria. Identifiers: Orphanet 2118, MedGen C2931042, MONDO:0007700, OMIM 140350, HP:0034457.
Tyrosinemia type III. Also called: Tyrosinemia type 3; 4-alpha hydroxyphenylpyruvic acid oxidase deficiency; 4-alpha hydroxyphenylpyruvate dioxygenase deficiency; 4-Hydroxyphenylpyruvate dioxygenase deficiency; 4-HYDROXYPHENYLPYRUVIC ACID OXIDASE DEFICIENCY. Identifiers: Orphanet 69723, MedGen C0268623, MONDO:0010162, OMIM 276710.

Allele frequency attached by ClinVar (database versions not stated): TOPMed 0.00121; gnomAD exomes 0.00122 and 0.00228; 1000 Genomes Project 30x 0.00125; ExAC 0.00138; gnomAD 0.00141 and 0.00142; ESP Exome Variant Server 0.00154; 1000 Genomes Project 0.00160.

Submissions (4):

CeGaT Center for Human Genetics Tuebingen
Classification: Likely benign. Last evaluated: 2026-06-01. Review status: criteria provided, single submitter. Criteria: CeGaT Center For Human Genetics Tuebingen Variant Classification Criteria Version 2. Collection method: clinical testing. Allele origin: germline. Affected: yes. Observed: 1 variant allele.
Comment: HPD: BP4, BS2

Labcorp Genetics (formerly Invitae), Labcorp
Classification: Likely benign for Tyrosinemia type III; Hawkinsinuria. Last evaluated: 2026-01-29. Review status: criteria provided, single submitter. Criteria: Invitae Variant Classification Sherloc (09022015). Collection method: clinical testing. Allele origin: germline.

Illumina Laboratory Services, Illumina
Classification: Benign for Hawkinsinuria. Last evaluated: 2018-01-13. Review status: criteria provided, single submitter. Criteria: ICSL Variant Classification Criteria 13 December 2019. Collection method: clinical testing. Allele origin: germline.
Comment: This variant was observed in the ICSL laboratory as part of a predisposition screen in an ostensibly healthy population. It had not been previously curated by ICSL or reported in the Human Gene Mutation Database (HGMD: prior to June 1st, 2018), and was therefore a candidate for classification through an automated scoring system. Utilizing variant allele frequency, disease prevalence and penetrance estimates, and inheritance mode, an automated score was calculated to assess if this variant is too frequent to cause the disease. Based on the score and internal cut-off values, a variant classified as benign is not then subjected to further curation. The score for this variant resulted in a classification of benign for this disease.

Illumina Laboratory Services, Illumina
Classification: Uncertain significance for Tyrosinemia type III. Last evaluated: 2018-01-13. Review status: criteria provided, single submitter. Criteria: ICSL Variant Classification Criteria 13 December 2019. Collection method: clinical testing. Allele origin: germline.